The following is an entry in ClinVar:

ClinVar aggregate classification (germline): Uncertain significance (1 of 4 stars; one submission).

Submission:

CeGaT Center for Human Genetics Tuebingen
Classification: Uncertain significance. Last evaluated: 2026-04-01. Review status: criteria provided, single submitter. Criteria: CeGaT Center For Human Genetics Tuebingen Variant Classification Criteria Version 2. Collection method: clinical testing. Allele origin: germline. Affected: yes. Observed: 1 variant allele.
Comment: PRPH: PM2

NM_006262.4(PRPH):c.576C>G (p.Asp192Glu)

Genes: PRPH (peripherin; plus strand), TROAP-AS1 (TROAP and PRPH antisense RNA 1; minus strand). Cytogenetic location: 12q13.12.
Variant type: single nucleotide variant.
Coding change: c.576C>G on transcript NM_006262.4 (MANE Select); coding-DNA position 576, C replaced by G.
Protein change: p.Asp192Glu; replaces aspartic acid 192 with glutamic acid.
Molecular consequence: missense variant. On other transcripts: non-coding transcript variant (1).
Genome position (GRCh38, 1-based): chr12:49,296,208, C>G. VCF-style: chr12-49296208-C-G. GRCh37 (hg19) VCF-style: chr12-49689991-C-G.
Other names: short protein forms D192E.
Identifiers: ClinVar variation 4874153 (VCV004874153.2).